The following is an entry in ClinVar:

ClinVar aggregate classification (germline): Conflicting classifications of pathogenicity. Review status: criteria provided, conflicting classifications (1 of 4 stars). 5 submissions from 5 submitters: Uncertain significance (1); Benign (1); Likely benign (3). Last evaluated 2025-06-11.

Conditions:
Wolfram syndrome 1 (WFS1). Identifiers: Orphanet 3463, MedGen C4551693, MONDO:0009101, OMIM 222300.

Allele frequency attached by ClinVar (database versions not stated): gnomAD exomes 0.00002; ExAC 0.00003.
gnomAD v4.1: 25 of 1,612,526 alleles (0.0016%); highest among the groups gnomAD compares: South Asian, 0.0044%; no homozygotes.

Submissions (5):

Labcorp Genetics (formerly Invitae), Labcorp
Classification: Likely benign. Last evaluated: 2025-06-11. Review status: criteria provided, single submitter. Criteria: Invitae Variant Classification Sherloc (09022015). Collection method: clinical testing. Allele origin: germline.

GeneDx
Classification: Uncertain significance. Last evaluated: 2024-11-26. Review status: criteria provided, single submitter. Criteria: GeneDx Variant Classification Process June 2021. Collection method: clinical testing. Allele origin: germline. Affected: yes.
Comment: In silico analysis indicates that this variant does not alter splicing; Has not been previously published as pathogenic or benign to our knowledge

CeGaT Center for Human Genetics Tuebingen
Classification: Likely benign. Last evaluated: 2024-02-01. Review status: criteria provided, single submitter. Criteria: CeGaT Center For Human Genetics Tuebingen Variant Classification Criteria Version 2. Collection method: clinical testing. Allele origin: germline. Affected: yes. Observed: 1 variant allele.
Comment: WFS1: BP4, BP7

Blueprint Genetics
Classification: Likely benign. Last evaluated: 2023-09-23. Review status: criteria provided, single submitter. Criteria: ACMG Guidelines, 2015. Collection method: clinical testing. Allele origin: germline.

Clinical Genomics, Uppaluri K&H Personalized Medicine Clinic
Classification: Benign for Wolfram syndrome 1. Review status: criteria provided, single submitter. Criteria: K & H Uppaluri Personalized Medicine Clinic Variant Classification & Assertion Criteria_Updated V.1. Collection method: research. Allele origin: unknown. Inheritance: Autosomal recessive inheritance.
Comment: Potent mutations in WFS1 gene are associated with Wolfram's syndrome, an autosomal recessive condition, which cause diabetes mellitus, diabetes insipidus, deafness and optic atrophy.However no sufficient evidence is found to ascertain the role of this particular variant rs766730980 in Wolfram's syndrome yet.

Literature cited by the submitters: PubMed 20738327 (cited by Clinical Genomics, Uppaluri K&H Personalized Medicine Clinic); PubMed 33879153 (cited by Clinical Genomics, Uppaluri K&H Personalized Medicine Clinic); PubMed 12955714 (cited by Clinical Genomics, Uppaluri K&H Personalized Medicine Clinic); PubMed 20301750 (cited by Clinical Genomics, Uppaluri K&H Personalized Medicine Clinic); PubMed 18060660 (cited by Clinical Genomics, Uppaluri K&H Personalized Medicine Clinic); PubMed 17603484 (cited by Clinical Genomics, Uppaluri K&H Personalized Medicine Clinic).

NM_006005.3(WFS1):c.1653C>T (p.Ser551=)

Gene: WFS1 (wolframin ER transmembrane glycoprotein; plus strand). Cytogenetic location: 4p16.1.
Variant type: single nucleotide variant.
Coding change: c.1653C>T on transcript NM_006005.3 (MANE Select); coding-DNA position 1653, C replaced by T.
Protein change: p.Ser551=; no amino-acid change (serine 551 retained).
Molecular consequence: synonymous variant.
Genome position (GRCh38, 1-based): chr4:6,301,448, C>T. VCF-style: chr4-6301448-C-T. GRCh37 (hg19) VCF-style: chr4-6303175-C-T.
Other names: c.1653C>T, p.Ser551= (NM_001145853.1).
Identifiers: ClinVar variation 2429477 (VCV002429477.26), dbSNP rs766730980, ClinGen allele CA2839430.